The following is an entry in ClinVar:

NM_000297.4(PKD2):c.*552G>A

Gene: PKD2 (polycystin 2, transient receptor potential cation channel; plus strand). Cytogenetic location: 4q22.1.
Variant type: single nucleotide variant.
Coding change: c.*552G>A on transcript NM_000297.4 (MANE Select); 552 bases downstream of the stop codon, G replaced by A.
Molecular consequence: 3 prime UTR variant. On other transcripts: non-coding transcript variant (1).
Genome position (GRCh38, 1-based): chr4:88,076,246, G>A. VCF-style: chr4-88076246-G-A. GRCh37 (hg19) VCF-style: chr4-88997398-G-A.
Identifiers: ClinVar variation 350040 (VCV000350040.30), dbSNP rs139787413, ClinGen allele CA10621934.

ClinVar aggregate classification (germline): Conflicting classifications of pathogenicity. Review status: criteria provided, conflicting classifications (1 of 4 stars). 3 submissions from 3 submitters: Uncertain significance (2); Benign (1). Last evaluated 2022-08-01.

Conditions:
Polycystic kidney disease 2 (PKD2). Also called: POLYCYSTIC KIDNEY DISEASE, ADULT, TYPE II; Polycystic Kidney Disease 2, Autosomal Dominant; POLYCYSTIC KIDNEY DISEASE 2 WITH OR WITHOUT POLYCYSTIC LIVER DISEASE. Identifiers: MedGen C2751306, MONDO:0013131, OMIM 613095.

Allele frequency attached by ClinVar (database versions not stated): 1000 Genomes Project 0.00060; 1000 Genomes Project 30x 0.00062; TOPMed 0.00113; gnomAD 0.00121 and 0.00123; gnomAD exomes 0.00159.
gnomAD v4.1: 189 of 158,144 alleles (0.12%); highest among the groups gnomAD compares: Non-Finnish European, 0.21%; no homozygotes.

Submissions (3):

CeGaT Center for Human Genetics Tuebingen
Classification: Benign. Last evaluated: 2022-08-01. Review status: criteria provided, single submitter. Criteria: CeGaT Center For Human Genetics Tuebingen Variant Classification Criteria Version 2. Collection method: clinical testing. Allele origin: germline. Affected: yes. Observed: 1 variant allele.
Comment: PKD2: BS1, BS2

Illumina Laboratory Services, Illumina
Classification: Uncertain significance for Polycystic kidney disease 2. Last evaluated: 2018-01-13. Review status: criteria provided, single submitter. Criteria: ICSL Variant Classification Criteria 13 December 2019. Collection method: clinical testing. Allele origin: germline.

Breakthrough Genomics
Classification: Uncertain significance. Review status: criteria provided, single submitter. Criteria: ACMG Guidelines, 2015. Collection method: not provided. Allele origin: germline. Inheritance: Autosomal dominant inheritance. Affected: yes.